The following is an entry in ClinVar:

NC_012920.1(MT-ND2):m.4561T>C

Gene: MT-ND2 (mitochondrially encoded NADH dehydrogenase 2; plus strand).
Variant type: single nucleotide variant.
Genome position: chrM-4561-T-C.
Identifiers: ClinVar variation 692463 (VCV000692463.1), dbSNP rs41376350, ClinGen allele CA337096903.

ClinVar aggregate classification (germline): Benign (1 of 4 stars; one submission).

Conditions:
Leigh syndrome (NULS). Also called: Leigh's necrotizing encephalopathy; Leigh's disease; Leigh Syndrome (mtDNA deletion); Leigh Disease; Subacute necrotizing encephalopathy; Necrotizing encephalopathy infantile subacute of Leigh. Identifiers: Orphanet 506, MedGen C2931891, MONDO:0009723, OMIM 256000.

Submission:

Wong Mito Lab, Molecular and Human Genetics, Baylor College of Medicine
Classification: Benign for Leigh syndrome. Last evaluated: 2019-10-17. Review status: criteria provided, single submitter. Criteria: Modified ACMG Guidelines (Unpublished). Collection method: clinical testing. Allele origin: germline.
Comment: The NC_012920.1:m.4561T>C (YP_003024027.1:p.Val31Ala) variant in MTND2 gene is interpretated to be a Benign variant based on the modified ACMG guidelines (unpublished). This variant meets the following evidence codes: BA1